The following is an entry in ClinVar:

ClinVar aggregate classification (germline): Uncertain significance (1 of 4 stars; one submission).

Allele frequency attached by ClinVar (database versions not stated): TOPMed below 0.00001; gnomAD 0.00001.
gnomAD v4.1: 2 of 1,613,410 alleles (0.00012%); highest among the groups gnomAD compares: Non-Finnish European, 0.000085%; no homozygotes.

Submission:

Labcorp Genetics (formerly Invitae), Labcorp
Classification: Uncertain significance. Last evaluated: 2022-10-24. Review status: criteria provided, single submitter. Criteria: Invitae Variant Classification Sherloc (09022015). Collection method: clinical testing. Allele origin: germline.
Comment: This sequence change replaces methionine, which is neutral and non-polar, with threonine, which is neutral and polar, at codon 697 of the KSR2 protein (p.Met697Thr). This variant is present in population databases (no rsID available, gnomAD 0.007%). This variant has not been reported in the literature in individuals affected with KSR2-related conditions. Algorithms developed to predict the effect of missense changes on protein structure and function are either unavailable or do not agree on the potential impact of this missense change (SIFT: "Deleterious"; PolyPhen-2: "Probably Damaging"; Align-GVGD: "Class C0"). In summary, the available evidence is currently insufficient to determine the role of this variant in disease. Therefore, it has been classified as a Variant of Uncertain Significance.

NM_173598.6(KSR2):c.2177T>C (p.Met726Thr)

Gene: KSR2 (kinase suppressor of ras 2; minus strand). Cytogenetic location: 12q24.22.
Variant type: single nucleotide variant.
Coding change: c.2177T>C on transcript NM_173598.6 (MANE Select); coding-DNA position 2177, T replaced by C.
Protein change: p.Met726Thr; replaces methionine 726 with threonine.
Molecular consequence: missense variant.
Genome position (GRCh38, 1-based): chr12:117,524,894, A>G on the plus strand (T>C on the coding strand, the complement: KSR2 is on the minus strand). VCF-style: chr12-117524894-A-G. GRCh37 (hg19) VCF-style: chr12-117962699-A-G.
Other names: short protein forms M726T.
Identifiers: ClinVar variation 2160563 (VCV002160563.4), dbSNP rs1387525329, ClinGen allele CA386935921.